The following is an entry in ClinVar:

NM_000455.5(STK11):c.680G>A (p.Gly227Asp)

Gene: STK11 (serine/threonine kinase 11; plus strand). Cytogenetic location: 19p13.3.
Variant type: single nucleotide variant.
Coding change: c.680G>A on transcript NM_000455.5 (MANE Select); coding-DNA position 680, G replaced by A.
Protein change: p.Gly227Asp; replaces glycine 227 with aspartic acid.
Molecular consequence: missense variant.
Genome position (GRCh38, 1-based): chr19:1,220,663, G>A. VCF-style: chr19-1220663-G-A. GRCh37 (hg19) VCF-style: chr19-1220662-G-A.
Other names: c.680G>A, p.Gly227Asp (NM_001407255.1); short protein forms G227D.
Identifiers: ClinVar variation 2000161 (VCV002000161.4), dbSNP rs2145425330, ClinGen allele CA402949758.
Genomic context (GRCh38, chr19:1,220,663, plus strand): 5'-ACGACACCTGCCGGACCAGCCAGGGCTCCCCGGCTTTCCAGCCGCCCGAGATTGCCAACG[G>A]CCTGGACACCTTCTCCGGCTTCAAGGTGGACATCTGGTCGGCTGGGGTCACCCTGTAAGT-3'
Protein context (NP_000446.1, residues 217-237): PAFQPPEIAN[Gly227Asp]LDTFSGFKVD

ClinVar aggregate classification (germline): Uncertain significance (1 of 4 stars; one submission).

Conditions:
Peutz-Jeghers syndrome (PJS). Also called: Peutz-Jeghers polyposis; Periorificial lentiginosis syndrome; POLYPOSIS, HAMARTOMATOUS INTESTINAL; POLYPS-AND-SPOTS SYNDROME. Identifiers: Orphanet 2869, MedGen C0031269, MeSH D010580, MONDO:0008280, OMIM 175200.

Submission:

Labcorp Genetics (formerly Invitae), Labcorp
Classification: Uncertain significance for Peutz-Jeghers syndrome. Last evaluated: 2024-10-16. Review status: criteria provided, single submitter. Criteria: Invitae Variant Classification Sherloc (09022015). Collection method: clinical testing. Allele origin: germline.
Comment: This sequence change replaces glycine, which is neutral and non-polar, with aspartic acid, which is acidic and polar, at codon 227 of the STK11 protein (p.Gly227Asp). This variant is not present in population databases (gnomAD no frequency). This variant has not been reported in the literature in individuals affected with STK11-related conditions. ClinVar contains an entry for this variant (Variation ID: 2000161). Invitae Evidence Modeling of protein sequence and biophysical properties (such as structural, functional, and spatial information, amino acid conservation, physicochemical variation, residue mobility, and thermodynamic stability) has been performed for this missense variant. However, the output from this modeling did not meet the statistical confidence thresholds required to predict the impact of this variant on STK11 protein function. In summary, the available evidence is currently insufficient to determine the role of this variant in disease. Therefore, it has been classified as a Variant of Uncertain Significance.